The following is an entry in ClinVar:

NM_000368.5(TSC1):c.910T>A (p.Tyr304Asn)

Gene: TSC1 (TSC complex subunit 1; minus strand). Cytogenetic location: 9q34.13.
Variant type: single nucleotide variant.
Coding change: c.910T>A on transcript NM_000368.5 (MANE Select); coding-DNA position 910, T replaced by A.
Protein change: p.Tyr304Asn; replaces tyrosine 304 with asparagine.
Molecular consequence: missense variant.
Genome position (GRCh38, 1-based): chr9:132,912,285, A>T on the plus strand (T>A on the coding strand, the complement: TSC1 is on the minus strand). VCF-style: chr9-132912285-A-T. GRCh37 (hg19) VCF-style: chr9-135787672-A-T.
Other names: c.910T>A, p.Tyr304Asn (NM_001162426.2); c.757T>A, p.Tyr253Asn (NM_001162427.2); c.547T>A, p.Tyr183Asn (NM_001362177.2); short protein forms Y183N, Y253N, Y304N.
Identifiers: ClinVar variation 1399254 (VCV001399254.8), dbSNP rs1588326467, ClinGen allele CA375368974.

ClinVar aggregate classification (germline): Uncertain significance (1 of 4 stars; one submission).

Conditions:
Tuberous sclerosis 1 (TSC1). Identifiers: Orphanet 805, MedGen C1854465, MONDO:0008612, OMIM 191100.

Submission:

Labcorp Genetics (formerly Invitae), Labcorp
Classification: Uncertain significance for Tuberous sclerosis 1. Last evaluated: 2024-12-26. Review status: criteria provided, single submitter. Criteria: Invitae Variant Classification Sherloc (09022015). Collection method: clinical testing. Allele origin: germline.
Comment: This sequence change replaces tyrosine, which is neutral and polar, with asparagine, which is neutral and polar, at codon 304 of the TSC1 protein (p.Tyr304Asn). This variant is not present in population databases (gnomAD no frequency). This variant has not been reported in the literature in individuals affected with TSC1-related conditions. ClinVar contains an entry for this variant (Variation ID: 1399254). Invitae Evidence Modeling of protein sequence and biophysical properties (such as structural, functional, and spatial information, amino acid conservation, physicochemical variation, residue mobility, and thermodynamic stability) indicates that this missense variant is not expected to disrupt TSC1 protein function with a negative predictive value of 95%. In summary, the available evidence is currently insufficient to determine the role of this variant in disease. Therefore, it has been classified as a Variant of Uncertain Significance.